The following is an entry in ClinVar:

NM_000038.6(APC):c.2652A>C (p.Ala884=)

Gene: APC (APC regulator of Wnt signaling pathway; plus strand). Cytogenetic location: 5q22.2.
Variant type: single nucleotide variant.
Coding change: c.2652A>C on transcript NM_000038.6 (MANE Select); coding-DNA position 2652, A replaced by C.
Protein change: p.Ala884=; no amino-acid change (alanine 884 retained).
Molecular consequence: synonymous variant.
Genome position (GRCh38, 1-based): chr5:112,838,246, A>C. VCF-style: chr5-112838246-A-C. GRCh37 (hg19) VCF-style: chr5-112173943-A-C.
Other names: c.2349A>C, p.Ala783= (NM_001354903.2); c.2274A>C, p.Ala758= (NM_001354904.2); c.2172A>C, p.Ala724= (NM_001354905.2); c.1803A>C, p.Ala601= (NM_001354906.2); c.2652A>C, p.Ala884= (NM_001127510.3, NM_001354895.2); c.2598A>C, p.Ala866= (NM_001127511.3); c.2706A>C, p.Ala902= (NM_001354896.2); c.2682A>C, p.Ala894= (NM_001354897.2); and 5 more.
Identifiers: ClinVar variation 490247 (VCV000490247.5), dbSNP rs1554084343, ClinGen allele CA445962983.

ClinVar aggregate classification (germline): Benign/Likely benign. Review status: criteria provided, multiple submitters, no conflicts (2 of 4 stars). 3 submissions from 3 submitters: Benign (1); Likely benign (2). Last evaluated 2024-04-09.

Conditions:
Familial adenomatous polyposis 1 (FAP1). Also called: POLYPOSIS, ADENOMATOUS INTESTINAL; FAMILIAL ADENOMATOUS POLYPOSIS 1, ATTENUATED. Identifiers: MedGen C2713442, MONDO:0021056, OMIM 175100. Disease mechanism: loss of function.
Hereditary cancer-predisposing syndrome. Also called: Hereditary Cancer Syndrome; Neoplastic Syndromes, Hereditary; Tumor predisposition; Hereditary neoplastic syndrome. Identifiers: Orphanet 140162, MedGen C0027672, MeSH D009386, MONDO:0015356.
Classic or attenuated familial adenomatous polyposis. Identifiers: MedGen CN372698, MONDO:0021057.

Submissions (3):

Department of Pathology and Laboratory Medicine, Sinai Health System
Classification: Likely benign for classic or attenuated familial adenomatous polyposis. Last evaluated: 2024-04-09. Review status: criteria provided, single submitter. Criteria: ACMG Guidelines, 2015. Collection method: clinical testing. Allele origin: germline.

Myriad Genetics, Inc.
Classification: Benign for Familial adenomatous polyposis 1. Last evaluated: 2024-03-15. Review status: criteria provided, single submitter. Criteria: Myriad Autosomal Dominant, Autosomal Recessive and X-Linked Classification Criteria (2023). Collection method: clinical testing. Allele origin: unknown.
Comment: This variant is considered benign. This variant is a silent/synonymous amino acid change and it is not expected to impact splicing.

Color Diagnostics, LLC DBA Color Health
Classification: Likely benign for Hereditary cancer-predisposing syndrome. Last evaluated: 2017-08-09. Review status: criteria provided, single submitter. Criteria: ACMG Guidelines, 2015. Collection method: clinical testing. Allele origin: germline.